The following is an entry in ClinVar:

ClinVar aggregate classification (germline): Pathogenic/Likely pathogenic. Review status: criteria provided, multiple submitters, no conflicts (2 of 4 stars). 2 submissions from 2 submitters: Pathogenic (1); Likely pathogenic (1). Last evaluated 2023-02-27.

Conditions:
Cone-rod dystrophy 13 (CORD13). Identifiers: Orphanet 1872, MedGen C2750720, MONDO:0011987, OMIM 608194.
Leber congenital amaurosis 6 (LCA6). Identifiers: Orphanet 65, MedGen C1854260, MONDO:0013446, OMIM 613826.
RPGRIP1-related disorder. Also called: RPGRIP1-related condition.

Submissions (2):

Labcorp Genetics (formerly Invitae), Labcorp
Classification: Pathogenic for Leber congenital amaurosis 6; Cone-rod dystrophy 13. Last evaluated: 2023-02-27. Review status: criteria provided, single submitter. Criteria: Invitae Variant Classification Sherloc (09022015). Collection method: clinical testing. Allele origin: germline.
Comment: This variant has not been reported in the literature in individuals affected with RPGRIP1-related conditions. For these reasons, this variant has been classified as Pathogenic. This sequence change creates a premature translational stop signal (p.Asn549Metfs*13) in the RPGRIP1 gene. It is expected to result in an absent or disrupted protein product. Loss-of-function variants in RPGRIP1 are known to be pathogenic (PMID: 11528500, 23105016). This variant is present in population databases (rs750815560, gnomAD 0.0009%).

Blueprint Genetics
Classification: Likely pathogenic for RPGRIP1-related disorders. Last evaluated: 2022-01-13. Review status: criteria provided, single submitter. Criteria: ACMG Guidelines, 2015. Collection method: clinical testing. Allele origin: germline. Affected: yes. Observed: 1 variant allele.

Literature cited by the submitters: PubMed 11528500 (cited by Labcorp Genetics (formerly Invitae), Labcorp); PubMed 23105016 (cited by Labcorp Genetics (formerly Invitae), Labcorp).

NM_020366.4(RPGRIP1):c.1646del (p.Asn549fs)

Gene: RPGRIP1 (RPGR interacting protein 1; plus strand). Cytogenetic location: 14q11.2.
Variant type: Deletion.
Coding change: c.1646del on transcript NM_020366.4 (MANE Select); coding-DNA position 1646, one base deleted (A; older notation c.1646delA).
Protein change: p.Asn549fs; shifts the reading frame from asparagine 549.
Molecular consequence: frameshift variant.
Genome position (GRCh38, 1-based): chr14:21,321,888, A deleted; the last of 2 consecutive A bases (chr14:21,321,887-21,321,888); deleting either gives the same sequence. VCF-style (leftmost placement, unchanged base first): chr14-21321886-CA-C. GRCh37 (hg19) VCF-style: chr14-21790045-CA-C.
Other names: c.572del, p.Asn191fs (NM_001377523.1, NM_001377948.1, NM_001377949.1 and 1 more transcripts); c.74del, p.Asn25fs (NM_001377951.1); short protein forms N549fs, N191fs, N25fs.
Identifiers: ClinVar variation 2944408 (VCV002944408.4), dbSNP rs750815560, ClinGen allele CA7089042.